The following is an entry in ClinVar:

ClinVar aggregate classification (germline): Uncertain significance. Review status: criteria provided, single submitter (1 of 4 stars). 2 submissions from 2 submitters: Uncertain significance (1). 1 of the submissions does not count toward it. Last evaluated 2021-10-18.

Conditions:
PLAG1-related disorder. Also called: PLAG1-related condition.
Inborn genetic diseases. Identifiers: MedGen C0950123, MeSH D030342.

Allele frequency attached by ClinVar (database versions not stated): ESP Exome Variant Server 0.00008; gnomAD 0.00013; ExAC 0.00014; TOPMed 0.00015; 1000 Genomes Project 30x 0.00016; 1000 Genomes Project 0.00020; gnomAD exomes 0.00027.
gnomAD v4.1: 426 of 1,613,904 alleles (0.026%); highest among the groups gnomAD compares: South Asian, 0.093%; no homozygotes.

Submissions (2):

Ambry Genetics
Classification: Uncertain significance for Inborn genetic diseases. Last evaluated: 2021-10-18. Review status: criteria provided, single submitter. Criteria: Ambry Variant Classification Scheme 2023. Collection method: clinical testing. Allele origin: germline.

PreventionGenetics, part of Exact Sciences
Classification: Likely benign for PLAG1-related condition. Last evaluated: 2022-07-12. Review status: no assertion criteria provided. Collection method: clinical testing. Allele origin: germline. Not counted in ClinVar's aggregate classification.
Comment: This variant is classified as likely benign based on ACMG/AMP sequence variant interpretation guidelines (Richards et al. 2015 PMID: 25741868, with internal and published modifications).

NM_002655.3(PLAG1):c.359C>T (p.Thr120Met)

Genes: PLAG1 (PLAG1 zinc finger; minus strand), LOC126860395 (BRD4-independent group 4 enhancer GRCh37_chr8:57079228-57080427; plus strand). Cytogenetic location: 8q12.1.
Variant type: single nucleotide variant.
Coding change: c.359C>T on transcript NM_002655.3 (MANE Select); coding-DNA position 359, C replaced by T.
Protein change: p.Thr120Met; replaces threonine 120 with methionine.
Molecular consequence: missense variant.
Genome position (GRCh38, 1-based): chr8:56,167,387, G>A on the plus strand (C>T on the coding strand, the complement: PLAG1 is on the minus strand). VCF-style: chr8-56167387-G-A. GRCh37 (hg19) VCF-style: chr8-57079946-G-A.
Other names: c.359C>T, p.Thr120Met (NM_001114634.2); c.113C>T, p.Thr38Met (NM_001114635.2); short protein forms T120M, T38M.
Identifiers: ClinVar variation 2366248 (VCV002366248.4), dbSNP rs200873507, ClinGen allele CA4754929.
Genomic context (GRCh38, chr8:56,167,387, plus strand): 5'-AAGTGACGTTTAAATCCAAGCTTGGTATTGTAGTTCTTGCCACATTCTTCGCACTTAAAC[G>A]TCTCTTTGTTAGGGTCGTGTGTATGGAGGTGATTCTTCAGATGATCTTTCCGGTGAAACA-3'
Protein context (NP_002646.2, residues 110-130): HLHTHDPNKE[Thr120Met]FKCEECGKNY